The following is an entry in ClinVar:

ClinVar aggregate classification (germline): Uncertain significance (1 of 4 stars; one submission).

Submission:

Labcorp Genetics (formerly Invitae), Labcorp
Classification: Uncertain significance. Last evaluated: 2025-12-15. Review status: criteria provided, single submitter. Criteria: Invitae Variant Classification Sherloc (09022015). Collection method: clinical testing. Allele origin: germline.
Comment: This sequence change replaces threonine, which is neutral and polar, with isoleucine, which is neutral and non-polar, at codon 1964 of the ABCA1 protein (p.Thr1964Ile). This variant is not present in population databases (gnomAD no frequency). This variant has not been reported in the literature in individuals affected with ABCA1-related conditions. Invitae Evidence Modeling of protein sequence and biophysical properties (such as structural, functional, and spatial information, amino acid conservation, physicochemical variation, residue mobility, and thermodynamic stability) indicates that this missense variant is not expected to disrupt ABCA1 protein function with a negative predictive value of 95%. In summary, the available evidence is currently insufficient to determine the role of this variant in disease. Therefore, it has been classified as a Variant of Uncertain Significance.

NM_005502.4(ABCA1):c.5891C>T (p.Thr1964Ile)

Gene: ABCA1 (ATP binding cassette subfamily A member 1; minus strand). Cytogenetic location: 9q31.1.
Variant type: single nucleotide variant.
Coding change: c.5891C>T on transcript NM_005502.4 (MANE Select); coding-DNA position 5891, C replaced by T.
Protein change: p.Thr1964Ile; replaces threonine 1964 with isoleucine.
Molecular consequence: missense variant.
Genome position (GRCh38, 1-based): chr9:104,790,958, G>A on the plus strand (C>T on the coding strand, the complement: ABCA1 is on the minus strand). VCF-style: chr9-104790958-G-A. GRCh37 (hg19) VCF-style: chr9-107553239-G-A.
Other names: short protein forms T1964I.
Identifiers: ClinVar variation 4748571 (VCV004748571.1).
Genomic context (GRCh38, chr9:104,790,958, plus strand): 5'-AATACAAGCCACTTCTTTTCTCACCTATTTTTGTTAAGGAAAGCATCTCCTCTGGTAACA[G>A]TGGTATCTCCTGTTAACATCTTGAAAGTTGATGATTTTCCAGCCCCATTAACTCCCAGGA-3'
Protein context (NP_005493.2, residues 1954-1974): STFKMLTGDT[Thr1964Ile]VTRGDAFLNK